The following is an entry in ClinVar:

ClinVar aggregate classification (germline): Uncertain significance (1 of 4 stars; one submission).

Allele frequency attached by ClinVar (database versions not stated): gnomAD exomes 0.00001; gnomAD 0.00003; TOPMed 0.00003; 1000 Genomes Project 0.00020; ExAC 0.00005; 1000 Genomes Project 30x 0.00016.
gnomAD v4.1: 16 of 1,613,974 alleles (0.00099%); highest among the groups gnomAD compares: East Asian, 0.033%; no homozygotes.

Submission:

Labcorp Genetics (formerly Invitae), Labcorp
Classification: Uncertain significance. Last evaluated: 2025-03-04. Review status: criteria provided, single submitter. Criteria: Invitae Variant Classification Sherloc (09022015). Collection method: clinical testing. Allele origin: germline.
Comment: This sequence change replaces asparagine, which is neutral and polar, with serine, which is neutral and polar, at codon 27 of the C1S protein (p.Asn27Ser). This variant is present in population databases (rs782079161, gnomAD 0.1%). This variant has not been reported in the literature in individuals affected with C1S-related conditions. ClinVar contains an entry for this variant (Variation ID: 2969640). An algorithm developed to predict the effect of missense changes on protein structure and function (PolyPhen-2) suggests that this variant is likely to be disruptive. In summary, the available evidence is currently insufficient to determine the role of this variant in disease. Therefore, it has been classified as a Variant of Uncertain Significance.

NM_001734.5(C1S):c.80A>G (p.Asn27Ser)

Gene: C1S (complement C1s; plus strand). Cytogenetic location: 12p13.31.
Variant type: single nucleotide variant.
Coding change: c.80A>G on transcript NM_001734.5 (MANE Select); coding-DNA position 80, A replaced by G.
Protein change: p.Asn27Ser; replaces asparagine 27 with serine.
Molecular consequence: missense variant. On other transcripts: intron variant (1).
Genome position (GRCh38, 1-based): chr12:7,062,549, A>G. VCF-style: chr12-7062549-A-G. GRCh37 (hg19) VCF-style: chr12-7169853-A-G.
Other names: c.80A>G, p.Asn27Ser (NM_201442.4); c.-288-341A>G (NM_001346850.2); short protein forms N27S.
Identifiers: ClinVar variation 2969640 (VCV002969640.3), dbSNP rs782079161, ClinGen allele CA6423306.
Genomic context (GRCh38, chr12:7,062,549, plus strand): 5'-TTTCACTTTTGGCATGGGTTTATGCTGAGCCTACCATGTATGGGGAGATCCTGTCCCCTA[A>G]CTATCCTCAGGCATATCCCAGTGAGGTAGAGAAATCTTGGGACATAGAAGTTCCTGAAGG-3'
Protein context (NP_001725.1, residues 17-37): PTMYGEILSP[Asn27Ser]YPQAYPSEVE